The following is an entry in ClinVar:

ClinVar aggregate classification (germline): Likely benign. Review status: criteria provided, multiple submitters, no conflicts (2 of 4 stars). 2 submissions from 2 submitters: Likely benign (2). Last evaluated 2025-10-07.

gnomAD v4.1: 5 of 1,614,008 alleles (0.00031%); highest among the groups gnomAD compares: African/African-American, 0.0013%; no homozygotes.

Submissions (2):

Labcorp Genetics (formerly Invitae), Labcorp
Classification: Likely benign. Last evaluated: 2025-10-07. Review status: criteria provided, single submitter. Criteria: Invitae Variant Classification Sherloc (09022015). Collection method: clinical testing. Allele origin: germline.

CeGaT Center for Human Genetics Tuebingen
Classification: Likely benign. Last evaluated: 2022-08-01. Review status: criteria provided, single submitter. Criteria: CeGaT Center For Human Genetics Tuebingen Variant Classification Criteria Version 2. Collection method: clinical testing. Allele origin: germline. Affected: yes. Observed: 1 variant allele.
Comment: ARID1B: PM2:Supporting, BP4, BP7

NM_001374828.1(ARID1B):c.6546G>C (p.Pro2182=)

Gene: ARID1B (AT-rich interaction domain 1B; plus strand). Cytogenetic location: 6q25.3.
Variant type: single nucleotide variant.
Coding change: c.6546G>C on transcript NM_001374828.1 (MANE Select); coding-DNA position 6546, G replaced by C.
Protein change: p.Pro2182=; no amino-acid change (proline 2182 retained).
Molecular consequence: synonymous variant.
Genome position (GRCh38, 1-based): chr6:157,207,318, G>C. VCF-style: chr6-157207318-G-C. GRCh37 (hg19) VCF-style: chr6-157528452-G-C.
Other names: c.6297G>C, p.Pro2099= (NM_001346813.1); c.4047G>C, p.Pro1349= (NM_001363725.2); c.6426G>C, p.Pro2142= (NM_001371656.1, NM_001374820.1); c.6387G>C, p.Pro2129= (NM_017519.3); c.6177G>C, p.Pro2059= (NM_020732.3); c.5964G>C, p.Pro1988= (NM_175863.2).
Identifiers: ClinVar variation 2657074 (VCV002657074.25), dbSNP rs776483400, ClinGen allele CA150379501.